The following is an entry in ClinVar:

NM_001008537.3(NEXMIF):c.4531A>G (p.Ile1511Val)

Gene: NEXMIF (neurite extension and migration factor; minus strand). Cytogenetic location: Xq13.3.
Variant type: single nucleotide variant.
Coding change: c.4531A>G on transcript NM_001008537.3 (MANE Select); coding-DNA position 4531, A replaced by G.
Protein change: p.Ile1511Val; replaces isoleucine 1511 with valine.
Molecular consequence: missense variant.
Genome position (GRCh38, 1-based): chrX:74,739,425, T>C on the plus strand (A>G on the coding strand, the complement: NEXMIF is on the minus strand). VCF-style: chrX-74739425-T-C. GRCh37 (hg19) VCF-style: chrX-73959260-T-C.
Other names: short protein forms I1511V.
Identifiers: ClinVar variation 1525526 (VCV001525526.8), dbSNP rs964004246, ClinGen allele CA331301641.

ClinVar aggregate classification (germline): Uncertain significance (1 of 4 stars; one submission).

Allele frequency attached by ClinVar (database versions not stated): gnomAD 0.00001; TOPMed 0.00002.

Submission:

Labcorp Genetics (formerly Invitae), Labcorp
Classification: Uncertain significance. Last evaluated: 2025-02-17. Review status: criteria provided, single submitter. Criteria: Invitae Variant Classification Sherloc (09022015). Collection method: clinical testing. Allele origin: germline.
Comment: This sequence change replaces isoleucine, which is neutral and non-polar, with valine, which is neutral and non-polar, at codon 1511 of the NEXMIF protein (p.Ile1511Val). This variant is not present in population databases (gnomAD no frequency). This variant has not been reported in the literature in individuals affected with NEXMIF-related conditions. ClinVar contains an entry for this variant (Variation ID: 1525526). An algorithm developed to predict the effect of missense changes on protein structure and function outputs the following: PolyPhen-2: "Benign". The valine amino acid residue is found in multiple mammalian species, which suggests that this missense change does not adversely affect protein function. In summary, the available evidence is currently insufficient to determine the role of this variant in disease. Therefore, it has been classified as a Variant of Uncertain Significance.